The following is an entry in ClinVar:

NM_015102.5(NPHP4):c.356G>A (p.Arg119Gln)

Gene: NPHP4 (nephrocystin 4; minus strand). Cytogenetic location: 1p36.31.
Variant type: single nucleotide variant.
Coding change: c.356G>A on transcript NM_015102.5 (MANE Select); coding-DNA position 356, G replaced by A.
Protein change: p.Arg119Gln; replaces arginine 119 with glutamine.
Molecular consequence: missense variant. On other transcripts: 5 prime UTR variant (2), non-coding transcript variant (1).
Genome position (GRCh38, 1-based): chr1:5,969,183, C>T on the plus strand (G>A on the coding strand, the complement: NPHP4 is on the minus strand). VCF-style: chr1-5969183-C-T. GRCh37 (hg19) VCF-style: chr1-6029243-C-T.
Other names: c.356G>A (NM_015102.3); c.-874G>A (NM_001291593.2); c.-1011G>A (NM_001291594.2); short protein forms R119Q.
Identifiers: ClinVar variation 596177 (VCV000596177.14), dbSNP rs748420916, ClinGen allele CA554864.

ClinVar aggregate classification (germline): Conflicting classifications of pathogenicity. Review status: criteria provided, conflicting classifications (1 of 4 stars). 4 submissions from 4 submitters: Uncertain significance (3); Likely benign (1). Last evaluated 2024-11-15.

Conditions:
Inborn genetic diseases. Identifiers: MedGen C0950123, MeSH D030342.
Nephronophthisis. Also called: Juvenile Nephronophthisis. Identifiers: Orphanet 655, MedGen C0687120, MONDO:0019005, HP:0000090.

Allele frequency attached by ClinVar (database versions not stated): gnomAD exomes 0.00002; ExAC 0.00003; gnomAD 0.00004; TOPMed 0.00004.
gnomAD v4.1: 52 of 1,573,026 alleles (0.0033%); highest among the groups gnomAD compares: Non-Finnish European, 0.004%; no homozygotes.

Submissions (4):

Ambry Genetics
Classification: Uncertain significance for Inborn genetic diseases. Last evaluated: 2024-11-15. Review status: criteria provided, single submitter. Criteria: Ambry Variant Classification Scheme 2023. Collection method: clinical testing. Allele origin: germline.

Blueprint Genetics
Classification: Likely benign. Last evaluated: 2024-08-18. Review status: criteria provided, single submitter. Criteria: ACMG Guidelines, 2015. Collection method: clinical testing. Allele origin: germline.

Labcorp Genetics (formerly Invitae), Labcorp
Classification: Uncertain significance for Nephronophthisis. Last evaluated: 2024-07-05. Review status: criteria provided, single submitter. Criteria: Invitae Variant Classification Sherloc (09022015). Collection method: clinical testing. Allele origin: germline.
Comment: This sequence change replaces arginine, which is basic and polar, with glutamine, which is neutral and polar, at codon 119 of the NPHP4 protein (p.Arg119Gln). The frequency data for this variant in the population databases is considered unreliable, as metrics indicate poor data quality at this position in the gnomAD database. This variant has not been reported in the literature in individuals affected with NPHP4-related conditions. ClinVar contains an entry for this variant (Variation ID: 596177). Advanced modeling of protein sequence and biophysical properties (such as structural, functional, and spatial information, amino acid conservation, physicochemical variation, residue mobility, and thermodynamic stability) performed at Invitae indicates that this missense variant is not expected to disrupt NPHP4 protein function with a negative predictive value of 80%. In summary, the available evidence is currently insufficient to determine the role of this variant in disease. Therefore, it has been classified as a Variant of Uncertain Significance.

Eurofins Ntd Llc (ga)
Classification: Uncertain significance. Last evaluated: 2018-02-15. Review status: criteria provided, single submitter. Criteria: EGL ClinVar v180209 classification definitions. Collection method: clinical testing. Allele origin: germline. Observed: 1 variant allele, 1 heterozygote.